The following is an entry in ClinVar:

NM_198578.4(LRRK2):c.1688G>A (p.Gly563Glu)

Gene: LRRK2 (leucine rich repeat kinase 2; plus strand). Cytogenetic location: 12q12.
Variant type: single nucleotide variant.
Coding change: c.1688G>A on transcript NM_198578.4 (MANE Select); coding-DNA position 1688, G replaced by A.
Protein change: p.Gly563Glu; replaces glycine 563 with glutamic acid.
Molecular consequence: missense variant.
Genome position (GRCh38, 1-based): chr12:40,274,614, G>A. VCF-style: chr12-40274614-G-A. GRCh37 (hg19) VCF-style: chr12-40668416-G-A.
Other names: short protein forms G563E.
Identifiers: ClinVar variation 3229525 (VCV003229525.1), dbSNP rs2499622657, ClinGen allele CA384402788.

ClinVar aggregate classification (germline): Uncertain significance (1 of 4 stars; one submission).

Conditions:
Inborn genetic diseases. Identifiers: MedGen C0950123, MeSH D030342.

Submission:

Ambry Genetics
Classification: Uncertain significance for Inborn genetic diseases. Last evaluated: 2023-11-08. Review status: criteria provided, single submitter. Criteria: Ambry Variant Classification Scheme 2023. Collection method: clinical testing. Allele origin: germline.
Comment: The p.G563E variant (also known as c.1688G>A), located in coding exon 15 of the LRRK2 gene, results from a G to A substitution at nucleotide position 1688. The glycine at codon 563 is replaced by glutamic acid, an amino acid with similar properties. This amino acid position is conserved. In addition, this alteration is predicted to be deleterious by in silico analysis. Since supporting evidence is limited at this time, the clinical significance of this alteration remains unclear.